The following is an entry in ClinVar:

NM_001145026.2(PTPRQ):c.985C>T (p.Pro329Ser)

Gene: PTPRQ (protein tyrosine phosphatase receptor type Q; plus strand). Cytogenetic location: 12q21.31.
Variant type: single nucleotide variant.
Coding change: c.985C>T on transcript NM_001145026.2 (MANE Select); coding-DNA position 985, C replaced by T.
Protein change: p.Pro329Ser; replaces proline 329 with serine.
Molecular consequence: missense variant.
Genome position (GRCh38, 1-based): chr12:80,468,784, C>T. VCF-style: chr12-80468784-C-T. GRCh37 (hg19) VCF-style: chr12-80862563-C-T.
Other names: short protein forms P329S.
Identifiers: ClinVar variation 3343558 (VCV003343558.1).

ClinVar aggregate classification (germline): Uncertain significance (1 of 4 stars; one submission).

gnomAD v4.1: 3 of 1,550,140 alleles (0.00019%); highest among the groups gnomAD compares: Admixed American, 0.002%; no homozygotes.

Submission:

GeneDx
Classification: Uncertain significance. Last evaluated: 2023-05-22. Review status: criteria provided, single submitter. Criteria: GeneDx Variant Classification Process June 2021. Collection method: clinical testing. Allele origin: germline. Affected: yes.
Comment: Not observed at significant frequency in large population cohorts (gnomAD); In silico analysis supports that this missense variant has a deleterious effect on protein structure/function; Has not been previously published as pathogenic or benign to our knowledge